The following is an entry in ClinVar:

NM_001379500.1(COL18A1):c.2958_2966del (p.985GPP[3])

Genes: SLC19A1 (solute carrier family 19 member 1; minus strand), COL18A1 (collagen type XVIII alpha 1 chain; plus strand). Cytogenetic location: 21q22.3.
Variant type: Deletion.
Coding change: c.2958_2966del on transcript NM_001379500.1 (MANE Select); coding-DNA positions 2958 to 2966, 9 bases deleted (TCCCGGCCC; older notation c.2958_2966delTCCCGGCCC).
Protein change: p.985GPP[3].
Molecular consequence: inframe deletion.
Genome position (GRCh38, 1-based): chr21:45,505,223-45,505,231, TCCCGGCCC deleted; deleting any 9 consecutive bases within chr21:45,505,218-45,505,231 gives the same sequence; the c. name uses the placement nearest the transcript's 3' end. VCF-style (leftmost placement, unchanged base first): chr21-45505217-GGGCCCTCCC-G. GRCh37 (hg19) VCF-style: chr21-46925131-GGGCCCTCCC-G.
Other names: c.3489_3497del9 (NM_030582.3); c.3489_3497del, p.1162GPP[3] (NM_030582.4); c.4194_4202del, p.1397GPP[3] (NM_130444.3).
Identifiers: ClinVar variation 2169431 (VCV002169431.5), dbSNP rs760640619, ClinGen allele CA10067570.

ClinVar aggregate classification (germline): Conflicting classifications of pathogenicity. Review status: criteria provided, conflicting classifications (1 of 4 stars). 2 submissions from 2 submitters: Uncertain significance (1); Likely benign (1). Last evaluated 2025-09-08.

Conditions:
COL18A1-related disorder. Also called: COL18A1-related condition; COL18A1-related disorders.

Submissions (2):

Labcorp Genetics (formerly Invitae), Labcorp
Classification: Likely benign. Last evaluated: 2025-09-08. Review status: criteria provided, single submitter. Criteria: Invitae Variant Classification Sherloc (09022015). Collection method: clinical testing. Allele origin: germline.

PreventionGenetics, part of Exact Sciences
Classification: Uncertain significance for COL18A1-related condition. Last evaluated: 2023-05-04. Review status: criteria provided, single submitter. Criteria: ACMG Guidelines, 2015. Collection method: clinical testing. Allele origin: germline.
Comment: The COL18A1 c.3489_3497del9 variant is predicted to result in an in-frame deletion (p.Gly1171_Pro1173del). To our knowledge, this variant has not been reported in the literature. This variant is reported in 0.028% of alleles in individuals of European (Non-Finnish) descent in gnomAD. At this time, the clinical significance of this variant is uncertain due to the absence of conclusive functional and genetic evidence.